The following is an entry in ClinVar:

ClinVar aggregate classification (germline): Likely pathogenic. Review status: criteria provided, multiple submitters, no conflicts (2 of 4 stars). 2 submissions from 2 submitters: Likely pathogenic (2). Last evaluated 2024-04-01.

Conditions:
Autosomal recessive nonsyndromic hearing loss 77. Identifiers: Orphanet 90636, MedGen C2746083, MONDO:0013119, OMIM 613079.

gnomAD v4.1: 1 of 1,539,568 alleles (0.000065%); no homozygotes.

Submissions (2):

Natera, Inc.
Classification: Likely pathogenic for Autosomal recessive deafness type 77. Last evaluated: 2024-04-01. Review status: criteria provided, single submitter. Criteria: Natera Variant Classification Schema (03/2026). Collection method: clinical testing. Allele origin: germline.
Comment: The c.5997-2A>T variant in LOXHD1 is a canonical splice acceptor site variant predicted to affect pre-mRNA splicing, which may result in an abnormal transcript and altered protein product. This variant is expected to result in nonsense mediated decay, truncation, or a dysfunctional protein product. This variant is rare in the general population with a frequency below the threshold expected for the associated phenotype(s). Given the available evidence, this variant is classified as Likely Pathogenic.

Labcorp Genetics (formerly Invitae), Labcorp
Classification: Likely pathogenic. Last evaluated: 2022-03-02. Review status: criteria provided, single submitter. Criteria: Invitae Variant Classification Sherloc (09022015). Collection method: clinical testing. Allele origin: germline.
Comment: In summary, the currently available evidence indicates that the variant is pathogenic, but additional data are needed to prove that conclusively. Therefore, this variant has been classified as Likely Pathogenic. Algorithms developed to predict the effect of sequence changes on RNA splicing suggest that this variant may disrupt the consensus splice site. This variant has not been reported in the literature in individuals affected with LOXHD1-related conditions. This variant is not present in population databases (gnomAD no frequency). This sequence change affects an acceptor splice site in intron 38 of the LOXHD1 gene. It is expected to disrupt RNA splicing. Variants that disrupt the donor or acceptor splice site typically lead to a loss of protein function (PMID: 16199547), and loss-of-function variants in LOXHD1 are known to be pathogenic (PMID: 19732867, 21465660, 25792669).

Literature cited by the submitters: PubMed 16199547 (cited by Labcorp Genetics (formerly Invitae), Labcorp); PubMed 19732867 (cited by Labcorp Genetics (formerly Invitae), Labcorp); PubMed 21465660 (cited by Labcorp Genetics (formerly Invitae), Labcorp); PubMed 25792669 (cited by Labcorp Genetics (formerly Invitae), Labcorp).

NM_001384474.1(LOXHD1):c.6183-2A>T

Gene: LOXHD1 (lipoxygenase homology PLAT domains 1; minus strand). Cytogenetic location: 18q21.1.
Variant type: single nucleotide variant.
Coding change: c.6183-2A>T on transcript NM_001384474.1 (MANE Select); the canonical splice acceptor site of the intron before coding-DNA position 6183, A replaced by T.
Molecular consequence: splice acceptor variant.
Genome position (GRCh38, 1-based): chr18:46,483,747, T>A on the plus strand (A>T on the coding strand, the complement: LOXHD1 is on the minus strand). VCF-style: chr18-46483747-T-A. GRCh37 (hg19) VCF-style: chr18-44063710-T-A.
Other names: c.2850-2A>T (NM_001145472.3); c.2562-2A>T (NM_001308013.2); c.900-2A>T (NM_001173129.2, NM_001145473.3); c.5997-2A>T (NM_144612.7, NM_144612.6).
Identifiers: ClinVar variation 2105807 (VCV002105807.5), dbSNP rs2511365317, ClinGen allele CA402366185.